The following is an entry in ClinVar:

NM_001048174.2(MUTYH):c.1443A>T (p.Lys481Asn)

Gene: MUTYH (mutY DNA glycosylase; minus strand). Cytogenetic location: 1p34.1.
Variant type: single nucleotide variant.
Coding change: c.1443A>T on transcript NM_001048174.2 (MANE Select); coding-DNA position 1443, A replaced by T.
Protein change: p.Lys481Asn; replaces lysine 481 with asparagine.
Molecular consequence: missense variant. On other transcripts: non-coding transcript variant (7).
Genome position (GRCh38, 1-based): chr1:45,329,429, T>A on the plus strand (A>T on the coding strand, the complement: MUTYH is on the minus strand). VCF-style: chr1-45329429-T-A. GRCh37 (hg19) VCF-style: chr1-45795101-T-A.
Other names: c.1443A>T, p.Lys481Asn (NM_001048171.2, NM_001048173.2, NM_001293195.2 and 6 more transcripts); c.1446A>T, p.Lys482Asn (NM_001048172.2, NM_001407071.1, NM_001407086.1 and 1 more transcripts); c.1527A>T, p.Lys509Asn (NM_001128425.2); c.1488A>T, p.Lys496Asn (NM_001293190.2); c.1476A>T, p.Lys492Asn (NM_001293191.2, NM_001407069.1, NM_001407077.1); c.1167A>T, p.Lys389Asn (NM_001293192.2, NM_001293196.2, NM_001407091.1); c.1098A>T, p.Lys366Asn (NM_001350650.2, NM_001350651.2, NM_001407082.1); c.1485A>T, p.Lys495Asn (NM_001407085.1, NM_001407083.1); and 5 more; short protein forms K495N, K496N, K506N, K509N, K389N, K453N, K467N, K468N.
Identifiers: ClinVar variation 4113329 (VCV004113329.1).

ClinVar aggregate classification (germline): Uncertain significance (1 of 4 stars; one submission).

Conditions:
Hereditary cancer-predisposing syndrome. Also called: Tumor predisposition; Neoplastic Syndromes, Hereditary; Hereditary neoplastic syndrome; Hereditary Cancer Syndrome. Identifiers: Orphanet 140162, MedGen C0027672, MeSH D009386, MONDO:0015356.

Submission:

Ambry Genetics
Classification: Uncertain significance for Hereditary cancer-predisposing syndrome. Last evaluated: 2025-08-27. Review status: criteria provided, single submitter. Criteria: Ambry Variant Classification Scheme 2023. Collection method: clinical testing. Allele origin: germline.
Comment: The p.K509N variant (also known as c.1527A>T), located in coding exon 16 of the MUTYH gene, results from an A to T substitution at nucleotide position 1527. The lysine at codon 509 is replaced by asparagine, an amino acid with similar properties. This amino acid position is conserved. In addition, this alteration is predicted to be tolerated by in silico analysis. Based on the available evidence, the clinical significance of this variant remains unclear.